The following is an entry in ClinVar:

ClinVar aggregate classification (germline): Benign/Likely benign. Review status: criteria provided, multiple submitters, no conflicts (2 of 4 stars). 4 submissions from 4 submitters: Benign (2); Likely benign (2). Last evaluated 2026-02-02.

Allele frequency attached by ClinVar (database versions not stated): 1000 Genomes Project 0.00060; 1000 Genomes Project 30x 0.00062; TOPMed 0.00161; ESP Exome Variant Server 0.00169; gnomAD 0.00183; ExAC 0.00258; gnomAD exomes 0.00266.
gnomAD v4.1: 4,122 of 1,611,626 alleles (0.26%); highest among the groups gnomAD compares: Non-Finnish European, 0.31%; 4 homozygotes.

Submissions (4):

Labcorp Genetics (formerly Invitae), Labcorp
Classification: Benign. Last evaluated: 2026-02-02. Review status: criteria provided, single submitter. Criteria: Invitae Variant Classification Sherloc (09022015). Collection method: clinical testing. Allele origin: germline.

Women's Health and Genetics/Laboratory Corporation of America, LabCorp
Classification: Benign. Last evaluated: 2025-05-28. Review status: criteria provided, single submitter. Criteria: LabCorp Variant Classification Summary - May 2015. Collection method: clinical testing. Allele origin: germline.

CeGaT Center for Human Genetics Tuebingen
Classification: Likely benign. Last evaluated: 2024-12-01. Review status: criteria provided, single submitter. Criteria: CeGaT Center For Human Genetics Tuebingen Variant Classification Criteria Version 2. Collection method: clinical testing. Allele origin: germline. Affected: yes. Observed: 1 variant allele.
Comment: NCKAP1L: BP4

Blueprint Genetics
Classification: Likely benign. Last evaluated: 2024-11-25. Review status: criteria provided, single submitter. Criteria: ACMG Guidelines, 2015. Collection method: clinical testing. Allele origin: germline.

NM_005337.5(NCKAP1L):c.276C>T (p.Tyr92=)

Gene: NCKAP1L (NCK associated protein 1 like; plus strand). Cytogenetic location: 12q13.2.
Variant type: single nucleotide variant.
Coding change: c.276C>T on transcript NM_005337.5 (MANE Select); coding-DNA position 276, C replaced by T.
Protein change: p.Tyr92=; no amino-acid change (tyrosine 92 retained).
Molecular consequence: synonymous variant.
Genome position (GRCh38, 1-based): chr12:54,500,595, C>T. VCF-style: chr12-54500595-C-T. GRCh37 (hg19) VCF-style: chr12-54894379-C-T.
Other names: c.126C>T, p.Tyr42= (NM_001184976.2).
Identifiers: ClinVar variation 2050414 (VCV002050414.18), dbSNP rs138529525, ClinGen allele CA6608764.